The following is an entry in ClinVar:

ClinVar aggregate classification (germline): Uncertain significance. Review status: criteria provided, multiple submitters, no conflicts (2 of 4 stars). 2 submissions from 2 submitters: Uncertain significance (2). Last evaluated 2025-10-02.

Submissions (2):

Ambry Genetics
Classification: Uncertain significance. Last evaluated: 2025-10-02. Review status: criteria provided, single submitter. Criteria: Ambry Variant Classification Scheme 2023. Collection method: clinical testing. Allele origin: germline.

Labcorp Genetics (formerly Invitae), Labcorp
Classification: Uncertain significance. Last evaluated: 2025-06-12. Review status: criteria provided, single submitter. Criteria: Invitae Variant Classification Sherloc (09022015). Collection method: clinical testing. Allele origin: germline.
Comment: This sequence change replaces serine, which is neutral and polar, with leucine, which is neutral and non-polar, at codon 615 of the KANK4 protein (p.Ser615Leu). This variant is present in population databases (rs142660787, gnomAD 0.1%), and has an allele count higher than expected for a pathogenic variant. This variant has not been reported in the literature in individuals affected with KANK4-related conditions. ClinVar contains an entry for this variant (Variation ID: 3668861). An algorithm developed to predict the effect of missense changes on protein structure and function (PolyPhen-2) suggests that this variant is likely to be disruptive. In summary, the available evidence is currently insufficient to determine the role of this variant in disease. Therefore, it has been classified as a Variant of Uncertain Significance.

NM_181712.5(KANK4):c.1844C>T (p.Ser615Leu)

Gene: KANK4 (KN motif and ankyrin repeat domains 4; minus strand). Cytogenetic location: 1p31.3.
Variant type: single nucleotide variant.
Coding change: c.1844C>T on transcript NM_181712.5 (MANE Select); coding-DNA position 1844, C replaced by T.
Protein change: p.Ser615Leu; replaces serine 615 with leucine.
Molecular consequence: missense variant. On other transcripts: intron variant (1).
Genome position (GRCh38, 1-based): chr1:62,273,260, G>A on the plus strand (C>T on the coding strand, the complement: KANK4 is on the minus strand). VCF-style: chr1-62273260-G-A. GRCh37 (hg19) VCF-style: chr1-62738932-G-A.
Other names: c.1844C>T (NM_181712.4); c.17-1671C>T (NM_001320269.2); short protein forms S615L.
Identifiers: ClinVar variation 3668861 (VCV003668861.3).
Genomic context (GRCh38, chr1:62,273,260, plus strand): 5'-TTACCCACTGGCGGGGAGGAGGAGGAGGCCGGTGGCTCCTTGGGTGGGTGAGCCTGGGCC[G>A]AGTAGGCCGACAGCAGCAGGTTGAGGGAGCTCAGCAGCTGGCTCTGGATGCTGCTGAGCT-3'
Protein context (NP_859063.3, residues 605-625): SSLNLLLSAY[Ser615Leu]AQAHPPKEPP